The following is an entry in ClinVar:

NM_015650.4(TRAF3IP1):c.688C>T (p.Arg230Ter)

Gene: TRAF3IP1 (TRAF3 interacting protein 1; plus strand). Cytogenetic location: 2q37.3.
Variant type: single nucleotide variant.
Coding change: c.688C>T on transcript NM_015650.4 (MANE Select); coding-DNA position 688, C replaced by T.
Protein change: p.Arg230Ter; replaces arginine 230 with a stop codon.
Molecular consequence: nonsense.
Genome position (GRCh38, 1-based): chr2:238,329,115, C>T. VCF-style: chr2-238329115-C-T. GRCh37 (hg19) VCF-style: chr2-239237756-C-T.
Other names: c.688C>T, p.Arg230Ter (NM_001139490.1); short protein forms R230*.
Identifiers: ClinVar variation 2105958 (VCV002105958.1), dbSNP rs1183121064, ClinGen allele CA351245250.
Genomic context (GRCh38, chr2:238,329,115, plus strand): 5'-AACAGACACAGAGAAGGGGAGAGAGAGAGAGCCAAAGCCCGGGCCAGGCCAGACAACGAG[C>T]GACAGAAAGACAGAGGCAACAGGGAGCGGGACAGAGACTCCGAGCGCAAGAAGGAGACAG-3'

ClinVar aggregate classification (germline): Pathogenic (1 of 4 stars; one submission).

Submission:

Labcorp Genetics (formerly Invitae), Labcorp
Classification: Pathogenic. Last evaluated: 2022-03-04. Review status: criteria provided, single submitter. Criteria: Invitae Variant Classification Sherloc (09022015). Collection method: clinical testing. Allele origin: germline.
Comment: This sequence change creates a premature translational stop signal (p.Arg230*) in the TRAF3IP1 gene. It is expected to result in an absent or disrupted protein product. Loss-of-function variants in TRAF3IP1 are known to be pathogenic (PMID: 21945076, 26487268, 29068549). This variant is present in population databases (no rsID available, gnomAD 0.007%). This variant has not been reported in the literature in individuals affected with TRAF3IP1-related conditions. For these reasons, this variant has been classified as Pathogenic.

Literature cited by the submitters: PubMed 21945076; PubMed 26487268; PubMed 29068549.